The following is an entry in ClinVar:

ClinVar aggregate classification (germline): Conflicting classifications of pathogenicity. Review status: criteria provided, conflicting classifications (1 of 4 stars). 2 submissions from 2 submitters: Uncertain significance (1); Likely benign (1). Last evaluated 2018-01-12.

Conditions:
Maturity-onset diabetes of the young (MODY). Also called: Maturity onset diabetes mellitus in young. Identifiers: Orphanet 552, MedGen C0342276, MONDO:0018911, HP:0004904.
Renal cysts and diabetes syndrome (RCAD). Also called: Familial hypoplastic, glomerulocystic kidney; MATURITY-ONSET DIABETES OF THE YOUNG, TYPE 5. Identifiers: Orphanet 93111, MedGen C0431693, MONDO:0007669, OMIM 137920.

Allele frequency attached by ClinVar (database versions not stated): gnomAD exomes below 0.00001.
gnomAD v4.1: 1 of 1,613,412 alleles (0.000062%); highest among the groups gnomAD compares: East Asian, 0.0022%; no homozygotes.

Submissions (2):

Illumina Laboratory Services, Illumina
Classification: Uncertain significance for Renal cysts and diabetes syndrome. Last evaluated: 2018-01-12. Review status: criteria provided, single submitter. Criteria: ICSL Variant Classification Criteria 13 December 2019. Collection method: clinical testing. Allele origin: germline.

Clinical Genomics, Uppaluri K&H Personalized Medicine Clinic
Classification: Likely benign for Maturity-onset diabetes of the young. Review status: criteria provided, single submitter. Criteria: K & H Uppaluri Personalized Medicine Clinic Variant Classification & Assertion Criteria_Updated V.1. Collection method: research. Allele origin: unknown. Inheritance: Autosomal dominant inheritance.
Comment: HNF1B gene mutations are associated with early onset diabetes and pancreatic atrophy. It is also associated with multiple renal manifestations including renal cysts, Tubulointerstitial disease, glomerulocystic disease, renal hypoplasia, hypomagnesemia. However no sufficient evidence is found to ascertain the role of this particular variant rs2034119944, yet.

Literature cited by the submitters: PubMed 24897035 (cited by Clinical Genomics, Uppaluri K&H Personalized Medicine Clinic); PubMed 25536396 (cited by Clinical Genomics, Uppaluri K&H Personalized Medicine Clinic); PubMed 27615128 (cited by Clinical Genomics, Uppaluri K&H Personalized Medicine Clinic); PubMed 28215227 (cited by Clinical Genomics, Uppaluri K&H Personalized Medicine Clinic); PubMed 33434175 (cited by Clinical Genomics, Uppaluri K&H Personalized Medicine Clinic); PubMed 25741167 (cited by Clinical Genomics, Uppaluri K&H Personalized Medicine Clinic); PubMed 26340261 (cited by Clinical Genomics, Uppaluri K&H Personalized Medicine Clinic); PubMed 19639018 (cited by Clinical Genomics, Uppaluri K&H Personalized Medicine Clinic).

NM_000458.4(HNF1B):c.150T>G (p.Pro50=)

Gene: HNF1B (HNF1 homeobox B; minus strand). Cytogenetic location: 17q12.
Variant type: single nucleotide variant.
Coding change: c.150T>G on transcript NM_000458.4 (MANE Select); coding-DNA position 150, T replaced by G.
Protein change: p.Pro50=; no amino-acid change (proline 50 retained).
Molecular consequence: synonymous variant.
Genome position (GRCh38, 1-based): chr17:37,744,735, A>C on the plus strand (T>G on the coding strand, the complement: HNF1B is on the minus strand). VCF-style: chr17-37744735-A-C. GRCh37 (hg19) VCF-style: chr17-36104726-A-C.
Other names: c.150T>G, p.Pro50= (NM_001165923.4, NM_001304286.2).
Identifiers: ClinVar variation 888621 (VCV000888621.5), dbSNP rs2034119944, ClinGen allele CA499880028.